The following is an entry in ClinVar:

NM_005097.4(LGI1):c.496A>C (p.Thr166Pro)

Gene: LGI1 (leucine rich glioma inactivated 1; plus strand). Cytogenetic location: 10q23.33.
Variant type: single nucleotide variant.
Coding change: c.496A>C on transcript NM_005097.4 (MANE Select); coding-DNA position 496, A replaced by C.
Protein change: p.Thr166Pro; replaces threonine 166 with proline.
Molecular consequence: missense variant. On other transcripts: non-coding transcript variant (1).
Genome position (GRCh38, 1-based): chr10:93,790,163, A>C. VCF-style: chr10-93790163-A-C. GRCh37 (hg19) VCF-style: chr10-95549920-A-C.
Other names: c.496A>C, p.Thr166Pro (NM_001308275.2); c.352A>C, p.Thr118Pro (NM_001308276.2); short protein forms T118P, T166P.
Identifiers: ClinVar variation 1719453 (VCV001719453.5), dbSNP rs1166092610, ClinGen allele CA377622325.

ClinVar aggregate classification (germline): Uncertain significance (1 of 4 stars; one submission).

Conditions:
Autosomal dominant epilepsy with auditory features. Identifiers: Orphanet 101046, MedGen C1838062, MONDO:0010898.

Submission:

Labcorp Genetics (formerly Invitae), Labcorp
Classification: Uncertain significance for Autosomal dominant epilepsy with auditory features. Last evaluated: 2022-09-14. Review status: criteria provided, single submitter. Criteria: Invitae Variant Classification Sherloc (09022015). Collection method: clinical testing. Allele origin: germline.
Comment: In summary, the available evidence is currently insufficient to determine the role of this variant in disease. Therefore, it has been classified as a Variant of Uncertain Significance. Advanced modeling of protein sequence and biophysical properties (such as structural, functional, and spatial information, amino acid conservation, physicochemical variation, residue mobility, and thermodynamic stability) performed at Invitae indicates that this missense variant is not expected to disrupt LGI1 protein function. This variant has not been reported in the literature in individuals affected with LGI1-related conditions. This variant is not present in population databases (gnomAD no frequency). This sequence change replaces threonine, which is neutral and polar, with proline, which is neutral and non-polar, at codon 166 of the LGI1 protein (p.Thr166Pro).